The following is an entry in ClinVar:

ClinVar aggregate classification (germline): Benign/Likely benign. Review status: criteria provided, multiple submitters, no conflicts (2 of 4 stars). 5 submissions from 5 submitters: Benign (2); Likely benign (3). Last evaluated 2026-01-01.

Conditions:
Autosomal recessive inherited pseudoxanthoma elasticum (PXE). Identifiers: Orphanet 758, MedGen CN032334, MONDO:0009925, OMIM 264800.
Pseudoxanthoma elasticum, forme fruste. Also called: Pseudoxanthoma Elasticum, Incomplete; PSEUDOXANTHOMA ELASTICUM, HETEROZYGOUS. Identifiers: Orphanet 758, MedGen C1867450, MONDO:0008333, OMIM 177850.
Arterial calcification, generalized, of infancy, 2. Identifiers: Orphanet 51608, MedGen C3276161, MONDO:0013768, OMIM 614473.

Allele frequency attached by ClinVar (database versions not stated): ExAC 0.00032; gnomAD 0.00089 and 0.00093; ESP Exome Variant Server 0.00092; TOPMed 0.00107; 1000 Genomes Project 0.00140; 1000 Genomes Project 30x 0.00156.
gnomAD v4.1: 313 of 1,613,948 alleles (0.019%); highest among the groups gnomAD compares: African/African-American, 0.28%; no homozygotes.

Submissions (5):

CeGaT Center for Human Genetics Tuebingen
Classification: Likely benign. Last evaluated: 2026-01-01. Review status: criteria provided, single submitter. Criteria: CeGaT Center For Human Genetics Tuebingen Variant Classification Criteria Version 2. Collection method: clinical testing. Allele origin: germline. Affected: yes. Observed: 1 variant allele.
Comment: ABCC6: BP4, BP7

Blueprint Genetics
Classification: Likely benign. Last evaluated: 2024-07-08. Review status: criteria provided, single submitter. Criteria: ACMG Guidelines, 2015. Collection method: clinical testing. Allele origin: germline.

Fulgent Genetics
Classification: Likely benign for Pseudoxanthoma elasticum, forme fruste; Autosomal recessive inherited pseudoxanthoma elasticum; Arterial calcification, generalized, of infancy, 2. Last evaluated: 2021-09-01. Review status: criteria provided, single submitter. Criteria: ACMG Guidelines, 2015. Collection method: clinical testing. Allele origin: unknown.

Labcorp Genetics (formerly Invitae), Labcorp
Classification: Benign. Last evaluated: 2018-04-09. Review status: criteria provided, single submitter. Criteria: Invitae Variant Classification Sherloc (09022015). Collection method: clinical testing. Allele origin: germline.

Breakthrough Genomics
Classification: Benign. Review status: criteria provided, single submitter. Criteria: ACMG Guidelines, 2015. Collection method: not provided. Allele origin: germline. Inheritance: Autosomal recessive inheritance. Affected: yes.

NM_001171.6(ABCC6):c.1059C>T (p.Ala353=)

Gene: ABCC6 (ATP binding cassette subfamily C member 6; minus strand). Cytogenetic location: 16p13.11.
Variant type: single nucleotide variant.
Coding change: c.1059C>T on transcript NM_001171.6 (MANE Select); coding-DNA position 1059, C replaced by T.
Protein change: p.Ala353=; no amino-acid change (alanine 353 retained).
Molecular consequence: synonymous variant. On other transcripts: non-coding transcript variant (1).
Genome position (GRCh38, 1-based): chr16:16,202,118, G>A on the plus strand (C>T on the coding strand, the complement: ABCC6 is on the minus strand). VCF-style: chr16-16202118-G-A. GRCh37 (hg19) VCF-style: chr16-16295975-G-A.
Other names: c.717C>T, p.Ala239= (NM_001351800.1).
Identifiers: ClinVar variation 720505 (VCV000720505.10), dbSNP rs150016641, ClinGen allele CA7926475.
Genomic context (GRCh38, chr16:16,202,118, plus strand): 5'-CCTGTACATGTTCTGCTGCTCAAACAGCGTTTGCAGGCAGGCTGAGAGGAACATCAGCAC[G>A]GCGAGGAGGTAGCCCTTCCAGGCTGGAGGCTTGGGATCACCAATAAACTCCAGGAAAAGG-3'
Protein context (NP_001162.5, residues 343-363): KPPAWKGYLL[Ala353=]VLMFLSACLQ